The following is an entry in ClinVar:

NM_015404.4(WHRN):c.859G>A (p.Gly287Ser)

Gene: WHRN (whirlin; minus strand). Cytogenetic location: 9q32.
Variant type: single nucleotide variant.
Coding change: c.859G>A on transcript NM_015404.4 (MANE Select); coding-DNA position 859, G replaced by A.
Protein change: p.Gly287Ser; replaces glycine 287 with serine.
Molecular consequence: missense variant. On other transcripts: 5 prime UTR variant (1).
Genome position (GRCh38, 1-based): chr9:114,466,371, C>T on the plus strand (G>A on the coding strand, the complement: WHRN is on the minus strand). VCF-style: chr9-114466371-C-T. GRCh37 (hg19) VCF-style: chr9-117228651-C-T.
Other names: c.-291G>A (NM_001083885.3); c.859G>A, p.Gly287Ser (NM_001173425.2); short protein forms G287S.
Identifiers: ClinVar variation 1357101 (VCV001357101.4), dbSNP rs539341462, ClinGen allele CA5206137.

ClinVar aggregate classification (germline): Uncertain significance. Review status: criteria provided, multiple submitters, no conflicts (2 of 4 stars). 2 submissions from 2 submitters: Uncertain significance (2). Last evaluated 2021-11-28.

Allele frequency attached by ClinVar (database versions not stated): ExAC 0.00003; gnomAD 0.00003; gnomAD exomes 0.00003; TOPMed 0.00008; 1000 Genomes Project 30x 0.00016; 1000 Genomes Project 0.00020.

Submissions (2):

Labcorp Genetics (formerly Invitae), Labcorp
Classification: Uncertain significance. Last evaluated: 2021-11-28. Review status: criteria provided, single submitter. Criteria: Invitae Variant Classification Sherloc (09022015). Collection method: clinical testing. Allele origin: germline.
Comment: This sequence change replaces glycine, which is neutral and non-polar, with serine, which is neutral and polar, at codon 287 of the WHRN protein (p.Gly287Ser). This variant is present in population databases (rs539341462, gnomAD 0.009%). This variant has not been reported in the literature in individuals affected with WHRN-related conditions. Algorithms developed to predict the effect of missense changes on protein structure and function (SIFT, PolyPhen-2, Align-GVGD) all suggest that this variant is likely to be disruptive. Algorithms developed to predict the effect of sequence changes on RNA splicing suggest that this variant may create or strengthen a splice site. In summary, the available evidence is currently insufficient to determine the role of this variant in disease. Therefore, it has been classified as a Variant of Uncertain Significance.

Blueprint Genetics
Classification: Uncertain significance. Last evaluated: 2018-04-03. Review status: criteria provided, single submitter. Criteria: ACMG Guidelines, 2015. Collection method: clinical testing. Allele origin: germline.